The following is an entry in ClinVar:

NM_004168.4(SDHA):c.32T>G (p.Leu11Arg)

Gene: SDHA (succinate dehydrogenase complex flavoprotein subunit A; plus strand). Cytogenetic location: 5p15.33.
Variant type: single nucleotide variant.
Coding change: c.32T>G on transcript NM_004168.4 (MANE Select); coding-DNA position 32, T replaced by G.
Protein change: p.Leu11Arg; replaces leucine 11 with arginine.
Molecular consequence: missense variant.
Genome position (GRCh38, 1-based): chr5:218,387, T>G. VCF-style: chr5-218387-T-G. GRCh37 (hg19) VCF-style: chr5-218502-T-G.
Other names: c.32T>G, p.Leu11Arg (NM_001294332.2, NM_001330758.2); short protein forms L11R.
Identifiers: ClinVar variation 1729967 (VCV001729967.6), dbSNP rs1139422, ClinGen allele CA359007325.

ClinVar aggregate classification (germline): Uncertain significance. Review status: criteria provided, multiple submitters, no conflicts (2 of 4 stars). 2 submissions from 2 submitters: Uncertain significance (2). Last evaluated 2025-02-07.

Conditions:
Mitochondrial complex II deficiency, nuclear type 1. Also called: SUCCINATE CoQ REDUCTASE DEFICIENCY. Identifiers: Orphanet 3208, MedGen C5700310, MONDO:0100294, OMIM 252011.
Pheochromocytoma/paraganglioma syndrome 5. Also called: Paragangliomas 5; SDHA-Related Hereditary Paraganglioma-Pheochromocytoma Syndrome. Identifiers: Orphanet 29072, MedGen C3279992, MONDO:0013602, OMIM 614165.
Hereditary cancer-predisposing syndrome. Also called: Hereditary Cancer Syndrome; Hereditary neoplastic syndrome; Neoplastic Syndromes, Hereditary; Tumor predisposition. Identifiers: Orphanet 140162, MedGen C0027672, MeSH D009386, MONDO:0015356.

Submissions (2):

Ambry Genetics
Classification: Uncertain significance for Hereditary cancer-predisposing syndrome. Last evaluated: 2025-02-07. Review status: criteria provided, single submitter. Criteria: Ambry Variant Classification Scheme 2023. Collection method: clinical testing. Allele origin: germline.
Comment: The p.L11R variant (also known as c.32T>G), located in coding exon 1 of the SDHA gene, results from a T to G substitution at nucleotide position 32. The leucine at codon 11 is replaced by arginine, an amino acid with dissimilar properties. This amino acid position is well conserved in available vertebrate species. In addition, this alteration is predicted to be tolerated by in silico analysis. Based on the available evidence, the clinical significance of this variant remains unclear.

Labcorp Genetics (formerly Invitae), Labcorp
Classification: Uncertain significance for Pheochromocytoma/paraganglioma syndrome 5; Mitochondrial complex II deficiency, nuclear type 1. Last evaluated: 2024-07-06. Review status: criteria provided, single submitter. Criteria: Invitae Variant Classification Sherloc (09022015). Collection method: clinical testing. Allele origin: germline.
Comment: This sequence change replaces leucine, which is neutral and non-polar, with arginine, which is basic and polar, at codon 11 of the SDHA protein (p.Leu11Arg). This variant is not present in population databases (gnomAD no frequency). This variant has not been reported in the literature in individuals affected with SDHA-related conditions. ClinVar contains an entry for this variant (Variation ID: 1729967). Advanced modeling of protein sequence and biophysical properties (such as structural, functional, and spatial information, amino acid conservation, physicochemical variation, residue mobility, and thermodynamic stability) performed at Invitae indicates that this missense variant is not expected to disrupt SDHA protein function with a negative predictive value of 95%. In summary, the available evidence is currently insufficient to determine the role of this variant in disease. Therefore, it has been classified as a Variant of Uncertain Significance.